The following is an entry in ClinVar:

NM_001164508.2(NEB):c.368G>A (p.Arg123His)

Gene: NEB (nebulin; minus strand). Cytogenetic location: 2q23.3.
Variant type: single nucleotide variant.
Coding change: c.368G>A on transcript NM_001164508.2 (MANE Select); coding-DNA position 368, G replaced by A.
Protein change: p.Arg123His; replaces arginine 123 with histidine.
Molecular consequence: missense variant.
Genome position (GRCh38, 1-based): chr2:151,725,487, C>T on the plus strand (G>A on the coding strand, the complement: NEB is on the minus strand). VCF-style: chr2-151725487-C-T. GRCh37 (hg19) VCF-style: chr2-152582001-C-T.
Other names: c.368G>A, p.Arg123His (NM_001164507.2, NM_001271208.2, NM_004543.5); short protein forms R123H.
Identifiers: ClinVar variation 665537 (VCV000665537.11), dbSNP rs546250852, ClinGen allele CA1911928.

ClinVar aggregate classification (germline): Conflicting classifications of pathogenicity. Review status: criteria provided, conflicting classifications (1 of 4 stars). 3 submissions from 3 submitters: Uncertain significance (1); Likely benign (1). 1 of the submissions does not count toward it. Last evaluated 2025-08-18.

Conditions:
Nemaline myopathy 2 (NEM2). Also called: Nemaline myopathy 2, autosomal recessive. Identifiers: MedGen C1850569, MONDO:0009725, OMIM 256030.

Allele frequency attached by ClinVar (database versions not stated): ExAC 0.00002; gnomAD exomes 0.00002; TOPMed 0.00002; gnomAD 0.00005 and 0.00007; 1000 Genomes Project 0.00020; 1000 Genomes Project 30x 0.00031.
gnomAD v4.1: 14 of 1,613,228 alleles (0.00087%); highest among the groups gnomAD compares: African/African-American, 0.011%; no homozygotes.

Submissions (3):

Labcorp Genetics (formerly Invitae), Labcorp
Classification: Likely benign for Nemaline myopathy 2. Last evaluated: 2025-08-18. Review status: criteria provided, single submitter. Criteria: Invitae Variant Classification Sherloc (09022015). Collection method: clinical testing. Allele origin: germline.

GeneDx
Classification: Uncertain significance. Last evaluated: 2024-09-23. Review status: criteria provided, single submitter. Criteria: GeneDx Variant Classification Process June 2021. Collection method: clinical testing. Allele origin: germline. Affected: yes.
Comment: In silico analysis indicates that this missense variant does not alter protein structure/function; Has not been previously published as pathogenic or benign to our knowledge

Natera, Inc.
Classification: Uncertain significance for Nemaline myopathy type 2. Last evaluated: 2021-04-26. Review status: no assertion criteria provided. Collection method: clinical testing. Allele origin: germline. Not counted in ClinVar's aggregate classification.